The following is an entry in ClinVar:

NM_019066.5(MAGEL2):c.3620A>G (p.Lys1207Arg)

Gene: MAGEL2 (MAGE family member L2; minus strand). Cytogenetic location: 15q11.2.
Variant type: single nucleotide variant.
Coding change: c.3620A>G on transcript NM_019066.5 (MANE Select); coding-DNA position 3620, A replaced by G.
Protein change: p.Lys1207Arg; replaces lysine 1207 with arginine.
Molecular consequence: missense variant.
Genome position (GRCh38, 1-based): chr15:23,644,123, T>C on the plus strand (A>G on the coding strand, the complement: MAGEL2 is on the minus strand). VCF-style: chr15-23644123-T-C. GRCh37 (hg19) VCF-style: chr15-23889270-T-C.
Other names: short protein forms K1207R.
Identifiers: ClinVar variation 1312445 (VCV001312445.3), dbSNP rs2140711809, ClinGen allele CA391321601.

ClinVar aggregate classification (germline): Uncertain significance (1 of 4 stars; one submission).

Submission:

GeneDx
Classification: Uncertain significance. Last evaluated: 2025-10-23. Review status: criteria provided, single submitter. Criteria: GeneDx Variant Classification Process June 2021. Collection method: clinical testing. Allele origin: germline. Affected: yes.
Comment: Not observed at significant frequency in large population cohorts (gnomAD); In silico analysis suggests that this missense variant does not alter protein structure/function; Has not been previously published as pathogenic or benign to our knowledge